The following is an entry in ClinVar:

ClinVar aggregate classification (germline): Benign/Likely benign. Review status: criteria provided, multiple submitters, no conflicts (2 of 4 stars). 6 submissions from 6 submitters: Benign (1); Likely benign (5). Last evaluated 2025-08-31.

Conditions:
Hereditary cancer-predisposing syndrome. Also called: Tumor predisposition; Hereditary neoplastic syndrome; Neoplastic Syndromes, Hereditary; Hereditary Cancer Syndrome. Identifiers: Orphanet 140162, MedGen C0027672, MeSH D009386, MONDO:0015356.
Fanconi anemia complementation group J. Also called: BRIP1-Related Fanconi Anemia. Identifiers: Orphanet 84, MedGen C1836860, MONDO:0012187, OMIM 609054.
Familial cancer of breast. Also called: hereditary breast carcinoma; Hereditary breast cancer; BREAST CANCER, FAMILIAL. Identifiers: Orphanet 227535, MedGen C0346153, MONDO:0016419, OMIM 114480. Disease mechanism: loss of function.

Allele frequency attached by ClinVar (database versions not stated): gnomAD exomes 0.00001.
gnomAD v4.1: 3 of 1,612,160 alleles (0.00019%); highest among the groups gnomAD compares: Non-Finnish European, 0.00025%; no homozygotes.

Submissions (6):

Labcorp Genetics (formerly Invitae), Labcorp
Classification: Likely benign for Familial cancer of breast; Fanconi anemia complementation group J. Last evaluated: 2025-08-31. Review status: criteria provided, single submitter. Criteria: Invitae Variant Classification Sherloc (09022015). Collection method: clinical testing. Allele origin: germline.

Myriad Genetics, Inc.
Classification: Benign for Familial cancer of breast. Last evaluated: 2024-08-22. Review status: criteria provided, single submitter. Criteria: Myriad Autosomal Dominant, Autosomal Recessive and X-Linked Classification Criteria (2023). Collection method: clinical testing. Allele origin: unknown.
Comment: This variant is considered benign. This variant is a silent/synonymous amino acid change and it is not expected to impact splicing.

GeneDx
Classification: Likely benign. Last evaluated: 2020-11-16. Review status: criteria provided, single submitter. Criteria: GeneDx Variant Classification Process June 2021. Collection method: clinical testing. Allele origin: germline. Affected: yes.
Comment: This variant is associated with the following publications: (PMID: 25759019)

Quest Diagnostics Nichols Institute San Juan Capistrano
Classification: Likely benign. Last evaluated: 2017-04-21. Review status: criteria provided, single submitter. Criteria: Quest Diagnostics criteria. Collection method: clinical testing. Allele origin: germline.

Color Diagnostics, LLC DBA Color Health
Classification: Likely benign for Hereditary cancer-predisposing syndrome. Last evaluated: 2016-04-22. Review status: criteria provided, single submitter. Criteria: ACMG Guidelines, 2015. Collection method: clinical testing. Allele origin: germline.

Ambry Genetics
Classification: Likely benign for Hereditary cancer-predisposing syndrome. Last evaluated: 2015-07-08. Review status: criteria provided, single submitter. Criteria: Ambry Variant Classification Scheme 2023. Collection method: clinical testing. Allele origin: germline.

NM_032043.3(BRIP1):c.630C>T (p.Pro210=)

Gene: BRIP1 (BRCA1 interacting DNA helicase 1; minus strand). Cytogenetic location: 17q23.2.
Variant type: single nucleotide variant.
Coding change: c.630C>T on transcript NM_032043.3 (MANE Select); coding-DNA position 630, C replaced by T.
Protein change: p.Pro210=; no amino-acid change (proline 210 retained).
Molecular consequence: synonymous variant.
Genome position (GRCh38, 1-based): chr17:61,808,755, G>A on the plus strand (C>T on the coding strand, the complement: BRIP1 is on the minus strand). VCF-style: chr17-61808755-G-A. GRCh37 (hg19) VCF-style: chr17-59886116-G-A.
Identifiers: ClinVar variation 220398 (VCV000220398.22), dbSNP rs864622510, ClinGen allele CA350025.